The following is an entry in ClinVar:

ClinVar aggregate classification (germline): Likely benign (1 of 4 stars; one submission).

Allele frequency attached by ClinVar (database versions not stated): gnomAD exomes below 0.00001 and 0.00001.
gnomAD v4.1: 5 of 1,614,138 alleles (0.00031%); highest among the groups gnomAD compares: Non-Finnish European, 0.00042%; no homozygotes.

Submission:

GeneDx
Classification: Likely benign. Last evaluated: 2017-02-06. Review status: criteria provided, single submitter. Criteria: GeneDx Variant Classification (06012015). Collection method: clinical testing. Allele origin: germline. Affected: yes.
Comment: This variant is considered likely benign or benign based on one or more of the following criteria: it is a conservative change, it occurs at a poorly conserved position in the protein, it is predicted to be benign by multiple in silico algorithms, and/or has population frequency not consistent with disease.

NM_001130438.3(SPTAN1):c.727C>G (p.Leu243Val)

Gene: SPTAN1 (spectrin alpha, non-erythrocytic 1; plus strand). Cytogenetic location: 9q34.11.
Variant type: single nucleotide variant.
Coding change: c.727C>G on transcript NM_001130438.3 (MANE Select); coding-DNA position 727, C replaced by G.
Protein change: p.Leu243Val; replaces leucine 243 with valine.
Molecular consequence: missense variant.
Genome position (GRCh38, 1-based): chr9:128,576,898, C>G. VCF-style: chr9-128576898-C-G. GRCh37 (hg19) VCF-style: chr9-131339177-C-G.
Other names: c.727C>G, p.Leu243Val (NM_001195532.2, NM_001363759.2, NM_001363765.2 and 1 more transcripts); short protein forms L243V.
Identifiers: ClinVar variation 506757 (VCV000506757.1), dbSNP rs1462279694, ClinGen allele CA375048168.